The following is an entry in ClinVar:

ClinVar aggregate classification (germline): Benign/Likely benign. Review status: criteria provided, multiple submitters, no conflicts (2 of 4 stars). 4 submissions from 4 submitters: Benign (1); Likely benign (2). 1 of the submissions does not count toward it. Last evaluated 2026-01-20.

Conditions:
Methylcrotonyl-CoA carboxylase deficiency. Also called: Deficiency of methylcrotonoyl-CoA carboxylase; 3 Methylcrotonylglycinuria; 3-MCC Deficiency. Identifiers: Orphanet 6, MedGen C4551505, MONDO:0018950.
3-methylcrotonyl-CoA carboxylase 2 deficiency. Also called: METHYLCROTONYLGLYCINURIA, TYPE II; 3 alpha methylcrotonyl-CoA carboxylase 2 deficiency; 3 alpha methylcrotonylglycinuria 2; MCC 2 deficiency; Methylcrotonylglycinuria type 2. Identifiers: Orphanet 6, MedGen C1859499, MONDO:0008862, OMIM 210210.

Allele frequency attached by ClinVar (database versions not stated): gnomAD 0.00003 and 0.00021; ESP Exome Variant Server 0.00008; TOPMed 0.00011; gnomAD exomes 0.00051 and 0.00101; 1000 Genomes Project 30x 0.00078; 1000 Genomes Project 0.00100; ExAC 0.00125.

Submissions (4):

Labcorp Genetics (formerly Invitae), Labcorp
Classification: Benign for 3-methylcrotonyl-CoA carboxylase 2 deficiency. Last evaluated: 2026-01-20. Review status: criteria provided, single submitter. Criteria: Invitae Variant Classification Sherloc (09022015). Collection method: clinical testing. Allele origin: germline.

CeGaT Center for Human Genetics Tuebingen
Classification: Likely benign. Last evaluated: 2022-04-01. Review status: criteria provided, single submitter. Criteria: CeGaT Center For Human Genetics Tuebingen Variant Classification Criteria Version 2. Collection method: clinical testing. Allele origin: germline. Affected: yes. Observed: 1 variant allele.
Comment: MCCC2: BP4, BP7

Illumina Laboratory Services, Illumina
Classification: Likely benign for 3-methylcrotonyl-CoA carboxylase 2 deficiency. Last evaluated: 2018-01-12. Review status: criteria provided, single submitter. Criteria: ICSL Variant Classification Criteria 13 December 2019. Collection method: clinical testing. Allele origin: germline.
Comment: This variant was observed in the ICSL laboratory as part of a predisposition screen in an ostensibly healthy population. It had not been previously curated by ICSL or reported in the Human Gene Mutation Database (HGMD: prior to June 1st, 2018), and was therefore a candidate for classification through an automated scoring system. Utilizing variant allele frequency, disease prevalence and penetrance estimates, and inheritance mode, an automated score was calculated to assess if this variant is too frequent to cause the disease. Based on the score and internal cut-off values, a variant classified as likely benign is not then subjected to further curation. The score for this variant resulted in a classification of likely benign for this disease.

Natera, Inc.
Classification: Benign for 3-methylcrotonylglycinuria. Last evaluated: 2020-09-16. Review status: no assertion criteria provided. Collection method: clinical testing. Allele origin: germline. Not counted in ClinVar's aggregate classification.

NM_022132.5(MCCC2):c.1569C>T (p.Ser523=)

Gene: MCCC2 (methylcrotonyl-CoA carboxylase subunit 2; plus strand). Cytogenetic location: 5q13.2.
Variant type: single nucleotide variant.
Coding change: c.1569C>T on transcript NM_022132.5 (MANE Select); coding-DNA position 1569, C replaced by T.
Protein change: p.Ser523=; no amino-acid change (serine 523 retained).
Molecular consequence: synonymous variant.
Genome position (GRCh38, 1-based): chr5:71,652,749, C>T. VCF-style: chr5-71652749-C-T. GRCh37 (hg19) VCF-style: chr5-70948576-C-T.
Other names: c.1455C>T, p.Ser485= (NM_001363147.1).
Identifiers: ClinVar variation 729444 (VCV000729444.40), dbSNP rs137961577, ClinGen allele CA3298194.